The following is an entry in ClinVar:

NM_000466.3(PEX1):c.3115A>G (p.Thr1039Ala)

Genes: GATAD1 (GATA zinc finger domain containing 1; plus strand), PEX1 (peroxisomal biogenesis factor 1; minus strand). Cytogenetic location: 7q21.2.
Variant type: single nucleotide variant.
Coding change: c.3115A>G on transcript NM_000466.3 (MANE Select); coding-DNA position 3115, A replaced by G.
Protein change: p.Thr1039Ala; replaces threonine 1039 with alanine.
Molecular consequence: missense variant.
Genome position (GRCh38, 1-based): chr7:92,493,045, T>C on the plus strand (A>G on the coding strand, the complement: PEX1 is on the minus strand). VCF-style: chr7-92493045-T-C. GRCh37 (hg19) VCF-style: chr7-92122359-T-C.
Other names: c.2944A>G, p.Thr982Ala (NM_001282677.2); c.2491A>G, p.Thr831Ala (NM_001282678.2); short protein forms T982A, T1039A, T831A.
Identifiers: ClinVar variation 2073321 (VCV002073321.4), dbSNP rs2484629012, ClinGen allele CA368166615.
Genomic context (GRCh38, chr7:92,493,045, plus strand): 5'-AGGCCTCCAATTGGGCATTGTAAAGTAAAGCTTTCAGATCAGCTCCAGTAAAGGAGTCAG[T>C]TACTGATGCTACATGCTGAAGGTCAACATCATCTGCCAGAGGTAGAGAGTCACTGAGGAC-3'
Protein context (NP_000457.1, residues 1029-1049): DVDLQHVASV[Thr1039Ala]DSFTGADLKA

ClinVar aggregate classification (germline): Uncertain significance (1 of 4 stars; one submission).

Conditions:
Zellweger spectrum disorders (ZS). Also called: Zellweger Spectrum Disorder (ZSD); Zellweger syndrome; Zellweger Spectrum Disorder; Zellweger Spectrum. Identifiers: Orphanet 912, MedGen C0043459, MONDO:0019609.

Submission:

Labcorp Genetics (formerly Invitae), Labcorp
Classification: Uncertain significance for Zellweger spectrum disorders. Last evaluated: 2022-10-24. Review status: criteria provided, single submitter. Criteria: Invitae Variant Classification Sherloc (09022015). Collection method: clinical testing. Allele origin: germline.
Comment: This sequence change replaces threonine, which is neutral and polar, with alanine, which is neutral and non-polar, at codon 1039 of the PEX1 protein (p.Thr1039Ala). This variant is not present in population databases (gnomAD no frequency). This variant has not been reported in the literature in individuals affected with PEX1-related conditions. Advanced modeling of protein sequence and biophysical properties (such as structural, functional, and spatial information, amino acid conservation, physicochemical variation, residue mobility, and thermodynamic stability) has been performed at Invitae for this missense variant, however the output from this modeling did not meet the statistical confidence thresholds required to predict the impact of this variant on PEX1 protein function. In summary, the available evidence is currently insufficient to determine the role of this variant in disease. Therefore, it has been classified as a Variant of Uncertain Significance.